The following is an entry in ClinVar:

ClinVar aggregate classification (germline): Uncertain significance. Review status: criteria provided, multiple submitters, no conflicts (2 of 4 stars). 2 submissions from 2 submitters: Uncertain significance (2). Last evaluated 2022-11-04.

Conditions:
Autosomal dominant Parkinson disease 8. Also called: Parkinson disease 8, susceptibility to; LRRK2-Related Parkinson Disease; Parkinson disease 8. Identifiers: Orphanet 411602, MedGen C1846862, MONDO:0011764, OMIM 607060.
Inborn genetic diseases. Identifiers: MedGen C0950123, MeSH D030342.

gnomAD v4.1: 1 of 1,613,136 alleles (0.000062%); highest among the groups gnomAD compares: Non-Finnish European, 0.000085%; no homozygotes.

Submissions (2):

Ambry Genetics
Classification: Uncertain significance for Inborn genetic diseases. Last evaluated: 2022-11-04. Review status: criteria provided, single submitter. Criteria: Ambry Variant Classification Scheme 2023. Collection method: clinical testing. Allele origin: germline.
Comment: The p.L1131M variant (also known as c.3391C>A), located in coding exon 25 of the LRRK2 gene, results from a C to A substitution at nucleotide position 3391. The leucine at codon 1131 is replaced by methionine, an amino acid with highly similar properties. This amino acid position is conserved. In addition, the in silico prediction for this alteration is inconclusive. Since supporting evidence is limited at this time, the clinical significance of this alteration remains unclear.

Labcorp Genetics (formerly Invitae), Labcorp
Classification: Uncertain significance for Autosomal dominant Parkinson disease 8. Last evaluated: 2021-05-13. Review status: criteria provided, single submitter. Criteria: Invitae Variant Classification Sherloc (09022015). Collection method: clinical testing. Allele origin: germline.
Comment: This sequence change replaces leucine with methionine at codon 1131 of the LRRK2 protein (p.Leu1131Met). The leucine residue is moderately conserved and there is a small physicochemical difference between leucine and methionine. This variant is not present in population databases (ExAC no frequency). In summary, the available evidence is currently insufficient to determine the role of this variant in disease. Therefore, it has been classified as a Variant of Uncertain Significance. Algorithms developed to predict the effect of missense changes on protein structure and function are either unavailable or do not agree on the potential impact of this missense change (SIFT: "Deleterious"; PolyPhen-2: "Probably Damaging"; Align-GVGD: "Class C0"). This variant has not been reported in the literature in individuals with LRRK2-related conditions.

NM_198578.4(LRRK2):c.3391C>A (p.Leu1131Met)

Gene: LRRK2 (leucine rich repeat kinase 2; plus strand). Cytogenetic location: 12q12.
Variant type: single nucleotide variant.
Coding change: c.3391C>A on transcript NM_198578.4 (MANE Select); coding-DNA position 3391, C replaced by A.
Protein change: p.Leu1131Met; replaces leucine 1131 with methionine.
Molecular consequence: missense variant.
Genome position (GRCh38, 1-based): chr12:40,299,152, C>A. VCF-style: chr12-40299152-C-A. GRCh37 (hg19) VCF-style: chr12-40692954-C-A.
Other names: c.3391C>A (NM_198578.3); short protein forms L1131M.
Identifiers: ClinVar variation 1427178 (VCV001427178.9), dbSNP rs1236580747, ClinGen allele CA384415599.
Genomic context (GRCh38, chr12:40,299,152, plus strand): 5'-TTGTCTCTTGTGACTAGAAATAAAATATCAGGGATATGCTCCCCCTTGAGACTGAAGGAA[C>A]TGAAGATTTTAAACCTTAGTAAGAACCACATTTCATCCCTATCAGAGAACTTTCTTGAGG-3'
Protein context (NP_940980.4, residues 1121-1141): GICSPLRLKE[Leu1131Met]KILNLSKNHI